The following is an entry in ClinVar:

NM_004370.6(COL12A1):c.7698-3C>T

Gene: COL12A1 (collagen type XII alpha 1 chain; minus strand). Cytogenetic location: 6q13.
Variant type: single nucleotide variant.
Coding change: c.7698-3C>T on transcript NM_004370.6 (MANE Select); 3 bases into the intron before coding-DNA position 7698, C replaced by T.
Molecular consequence: intron variant.
Genome position (GRCh38, 1-based): chr6:75,113,747, G>A on the plus strand (C>T on the coding strand, the complement: COL12A1 is on the minus strand). VCF-style: chr6-75113747-G-A. GRCh37 (hg19) VCF-style: chr6-75823463-G-A.
Other names: c.4206-3C>T (NM_080645.3).
Identifiers: ClinVar variation 951167 (VCV000951167.11), dbSNP rs760246080, ClinGen allele CA3892475.

ClinVar aggregate classification (germline): Uncertain significance (1 of 4 stars; one submission).

Conditions:
Ullrich congenital muscular dystrophy 2 (UCMD2). Identifiers: Orphanet 75840, MedGen C4225314, MONDO:0014654, OMIM 616470.
Bethlem myopathy 2 (BTHLM2). Identifiers: Orphanet 536516, Orphanet 610, MedGen C4225313, MONDO:0034022, OMIM 616471.

Allele frequency attached by ClinVar (database versions not stated): gnomAD exomes 0.00001; ExAC 0.00002; gnomAD 0.00006; TOPMed 0.00006.
gnomAD v4.1: 119 of 1,563,962 alleles (0.0076%); highest among the groups gnomAD compares: Non-Finnish European, 0.0097%; no homozygotes.

Submission:

Labcorp Genetics (formerly Invitae), Labcorp
Classification: Uncertain significance for Bethlem myopathy 2; Ullrich congenital muscular dystrophy 2. Last evaluated: 2026-01-19. Review status: criteria provided, single submitter. Criteria: Invitae Variant Classification Sherloc (09022015). Collection method: clinical testing. Allele origin: germline.
Comment: This sequence change falls in intron 49 of the COL12A1 gene. It does not directly change the encoded amino acid sequence of the COL12A1 protein. It affects a nucleotide within the consensus splice site. This variant is present in population databases (rs760246080, gnomAD 0.004%). This variant has not been reported in the literature in individuals affected with COL12A1-related conditions. ClinVar contains an entry for this variant (Variation ID: 951167). Variants that disrupt the consensus splice site are a relatively common cause of aberrant splicing (PMID: 17576681, 9536098). Algorithms developed to predict the effect of sequence changes on RNA splicing suggest that this variant is not likely to affect RNA splicing. In summary, the available evidence is currently insufficient to determine the role of this variant in disease. Therefore, it has been classified as a Variant of Uncertain Significance.

Literature cited by the submitters: PubMed 17576681 (cited by Labcorp Genetics (formerly Invitae), Labcorp); PubMed 9536098 (cited by Labcorp Genetics (formerly Invitae), Labcorp).